The following is an entry in ClinVar:

ClinVar aggregate classification (germline): Uncertain significance (1 of 4 stars; one submission).

Conditions:
Cranioectodermal dysplasia 1 (CED1). Also called: LEVIN SYNDROME I. Identifiers: Orphanet 1515, MedGen C0432235, MONDO:0021093, OMIM 218330.

Allele frequency attached by ClinVar (database versions not stated): gnomAD exomes below 0.00001.
gnomAD v4.1: 4 of 1,614,174 alleles (0.00025%); highest among the groups gnomAD compares: African/African-American, 0.0013%; no homozygotes.

Submission:

Labcorp Genetics (formerly Invitae), Labcorp
Classification: Uncertain significance for Cranioectodermal dysplasia 1. Last evaluated: 2024-10-26. Review status: criteria provided, single submitter. Criteria: Invitae Variant Classification Sherloc (09022015). Collection method: clinical testing. Allele origin: germline.
Comment: This sequence change replaces glutamine, which is neutral and polar, with arginine, which is basic and polar, at codon 674 of the IFT122 protein (p.Gln674Arg). This variant is not present in population databases (gnomAD no frequency). This variant has not been reported in the literature in individuals affected with IFT122-related conditions. ClinVar contains an entry for this variant (Variation ID: 1934408). Invitae Evidence Modeling of protein sequence and biophysical properties (such as structural, functional, and spatial information, amino acid conservation, physicochemical variation, residue mobility, and thermodynamic stability) indicates that this missense variant is not expected to disrupt IFT122 protein function with a negative predictive value of 80%. In summary, the available evidence is currently insufficient to determine the role of this variant in disease. Therefore, it has been classified as a Variant of Uncertain Significance.

NM_052989.3(IFT122):c.1868A>G (p.Gln623Arg)

Gene: IFT122 (intraflagellar transport 122; plus strand). Cytogenetic location: 3q21.3.
Variant type: single nucleotide variant.
Coding change: c.1868A>G on transcript NM_052989.3 (MANE Select); coding-DNA position 1868, A replaced by G.
Protein change: p.Gln623Arg; replaces glutamine 623 with arginine.
Molecular consequence: missense variant.
Genome position (GRCh38, 1-based): chr3:129,488,273, A>G. VCF-style: chr3-129488273-A-G. GRCh37 (hg19) VCF-style: chr3-129207116-A-G.
Other names: c.1844A>G, p.Gln615Arg (NM_001280541.2); c.1418A>G, p.Gln473Arg (NM_001280545.2); c.1241A>G, p.Gln414Arg (NM_001280546.2); c.1868A>G, p.Gln623Arg (NM_001410808.1, NM_001410809.1); c.1691A>G, p.Gln564Arg (NM_001410810.1, NM_001410811.1, NM_001410813.1 and 1 more transcripts); c.1535A>G, p.Gln512Arg (NM_001410815.1, NM_001410817.1, NM_052990.3); c.2021A>G, p.Gln674Arg (NM_052985.4); short protein forms Q674R, Q512R, Q615R, Q623R, Q564R, Q414R, Q473R.
Identifiers: ClinVar variation 1934408 (VCV001934408.5), dbSNP rs2079564937, ClinGen allele CA354478159.